The following is an entry in ClinVar:

NM_001375567.1(FOCAD):c.4729-5_4729-4insTTTTTTTTTTTTTTTTTTTTTTTTTTTTTTTTTTTT

Gene: FOCAD (focadhesin; plus strand). Cytogenetic location: 9p21.3.
Variant type: Insertion.
Coding change: c.4729-5_4729-4insTTTTTTTTTTTTTTTTTTTTTTTTTTTTTTTTTTTT on transcript NM_001375567.1 (MANE Select); 5 bases into the intron before coding-DNA position 4729 through 4 bases into the intron before coding-DNA position 4729, TTTTTTTTTTTTTTTTTTTTTTTTTTTTTTTTTTTT inserted.
Molecular consequence: intron variant.
Genome position: GRCh38: chr9:20,986,283-20,986,284. GRCh37 (hg19): chr9:20,986,282-20,986,283.
Other names: c.4729-5_4729-4insTTTTTTTTTTTTTTTTTTTTTTTTTTTTTTTTTTTT (NM_017794.5); c.4624-5_4624-4insTTTTTTTTTTTTTTTTTTTTTTTTTTTTTTTTTTTT (NM_001375568.1, NM_001375570.1).
Identifiers: ClinVar variation 2659121 (VCV002659121.24), dbSNP rs545976303, ClinGen allele CA1122104622.

ClinVar aggregate classification (germline): Likely benign (1 of 4 stars; one submission).

Submission:

CeGaT Center for Human Genetics Tuebingen
Classification: Likely benign. Last evaluated: 2023-03-01. Review status: criteria provided, single submitter. Criteria: CeGaT Center For Human Genetics Tuebingen Variant Classification Criteria Version 2. Collection method: clinical testing. Allele origin: germline. Affected: yes. Observed: 1 variant allele.
Comment: FOCAD: BP4, BS2